The following is an entry in ClinVar:

ClinVar aggregate classification (germline): Uncertain significance. Review status: criteria provided, multiple submitters, no conflicts (2 of 4 stars). 2 submissions from 2 submitters: Uncertain significance (2). Last evaluated 2025-01-14.

Conditions:
Inborn genetic diseases. Identifiers: MedGen C0950123, MeSH D030342.

Allele frequency attached by ClinVar (database versions not stated): TOPMed below 0.00001; ExAC 0.00002; gnomAD 0.00002; gnomAD exomes 0.00002.
gnomAD v4.1: 33 of 1,612,698 alleles (0.002%); highest among the groups gnomAD compares: Non-Finnish European, 0.0026%; no homozygotes.

Submissions (2):

Ambry Genetics
Classification: Uncertain significance for Inborn genetic diseases. Last evaluated: 2025-01-14. Review status: criteria provided, single submitter. Criteria: Ambry Variant Classification Scheme 2023. Collection method: clinical testing. Allele origin: germline.
Comment: The p.A546S variant (also known as c.1636G>T), located in coding exon 11 of the ERCC6L2 gene, results from a G to T substitution at nucleotide position 1636. The alanine at codon 546 is replaced by serine, an amino acid with similar properties. This amino acid position is conserved. In addition, the in silico prediction for this alteration is inconclusive. Based on the available evidence, the clinical significance of this variant remains unclear.

Labcorp Genetics (formerly Invitae), Labcorp
Classification: Uncertain significance. Last evaluated: 2022-06-18. Review status: criteria provided, single submitter. Criteria: Invitae Variant Classification Sherloc (09022015). Collection method: clinical testing. Allele origin: germline.
Comment: This sequence change replaces alanine, which is neutral and non-polar, with serine, which is neutral and polar, at codon 557 of the ERCC6L2 protein (p.Ala557Ser). This variant is present in population databases (rs757244024, gnomAD 0.002%). This variant has not been reported in the literature in individuals affected with ERCC6L2-related conditions. Algorithms developed to predict the effect of missense changes on protein structure and function are either unavailable or do not agree on the potential impact of this missense change (SIFT: "Tolerated"; PolyPhen-2: "Not Available"; Align-GVGD: "Class C0"). In summary, the available evidence is currently insufficient to determine the role of this variant in disease. Therefore, it has been classified as a Variant of Uncertain Significance.

NM_020207.7(ERCC6L2):c.1636G>T (p.Ala546Ser)

Gene: ERCC6L2 (ERCC excision repair 6 like 2; plus strand). Cytogenetic location: 9q22.32.
Variant type: single nucleotide variant.
Coding change: c.1636G>T on transcript NM_020207.7 (MANE Select); coding-DNA position 1636, G replaced by T.
Protein change: p.Ala546Ser; replaces alanine 546 with serine.
Molecular consequence: missense variant. On other transcripts: non-coding transcript variant (1).
Genome position (GRCh38, 1-based): chr9:95,928,749, G>T. VCF-style: chr9-95928749-G-T. GRCh37 (hg19) VCF-style: chr9-98691031-G-T.
Other names: c.1636G>T, p.Ala546Ser (NM_001010895.4, NM_001375291.1, NM_001375292.1 and 2 more transcripts); short protein forms A546S.
Identifiers: ClinVar variation 2170740 (VCV002170740.2), dbSNP rs757244024, ClinGen allele CA5139638.